The following is an entry in ClinVar:

ClinVar aggregate classification (germline): Uncertain significance. Review status: criteria provided, multiple submitters, no conflicts (2 of 4 stars). 2 submissions from 2 submitters: Uncertain significance (2). Last evaluated 2025-06-19.

Conditions:
Hereditary pancreatitis (PCTT). Also called: Hereditary chronic pancreatitis; PRSS1-Related Hereditary Pancreatitis. Identifiers: Orphanet 676, MedGen C0238339, MONDO:0008185, OMIM 167800.

gnomAD v4.1: 2 of 1,614,130 alleles (0.00012%); no homozygotes.

Submissions (2):

Ambry Genetics
Classification: Uncertain significance for Hereditary pancreatitis. Last evaluated: 2025-06-19. Review status: criteria provided, single submitter. Criteria: Ambry Variant Classification Scheme 2023. Collection method: clinical testing. Allele origin: germline.
Comment: The p.G151V variant (also known as c.452G>T), located in coding exon 3 of the PRSS1 gene, results from a G to T substitution at nucleotide position 452. The glycine at codon 151 is replaced by valine, an amino acid with dissimilar properties. This amino acid position is well conserved in available vertebrate species. In addition, the in silico prediction for this alteration is inconclusive. Based on the available evidence, the clinical significance of this variant remains unclear.

Labcorp Genetics (formerly Invitae), Labcorp
Classification: Uncertain significance for Hereditary pancreatitis. Last evaluated: 2021-04-23. Review status: criteria provided, single submitter. Criteria: Invitae Variant Classification Sherloc (09022015). Collection method: clinical testing. Allele origin: germline.
Comment: In summary, the available evidence is currently insufficient to determine the role of this variant in disease. Therefore, it has been classified as a Variant of Uncertain Significance. Algorithms developed to predict the effect of missense changes on protein structure and function are either unavailable or do not agree on the potential impact of this missense change (SIFT: "Deleterious"; PolyPhen-2: "Benign"; Align-GVGD: "Class C0"). This variant has not been reported in the literature in individuals with PRSS1-related conditions. This variant is not present in population databases (ExAC no frequency). This sequence change replaces glycine with valine at codon 151 of the PRSS1 protein (p.Gly151Val). The glycine residue is highly conserved and there is a moderate physicochemical difference between glycine and valine.

NM_002769.5(PRSS1):c.452G>T (p.Gly151Val)

Genes: TRB (T cell receptor beta locus; plus strand), PRSS1 (serine protease 1; plus strand). Cytogenetic location: 7q34.
Variant type: single nucleotide variant.
Coding change: c.452G>T on transcript NM_002769.5 (MANE Select); coding-DNA position 452, G replaced by T.
Protein change: p.Gly151Val; replaces glycine 151 with valine.
Molecular consequence: missense variant.
Genome position (GRCh38, 1-based): chr7:142,752,025, G>T. VCF-style: chr7-142752025-G-T. GRCh37 (hg19) VCF-style: chr7-142459876-G-T.
Other names: c.452G>T (NM_002769.4); short protein forms G151V.
Identifiers: ClinVar variation 1450875 (VCV001450875.9), dbSNP rs1563261623, ClinGen allele CA369609269.
Genomic context (GRCh38, chr7:142,752,025, plus strand): 5'-CCCCTCCAGCCACTGGCACGAAGTGCCTCATCTCTGGCTGGGGCAACACTGCGAGCTCTG[G>T]CGGTGAGTGGGACCCTTAGTCCTTCTACTTCCCTCCATCCTCACAATTTCCAGAACAAAC-3'
Protein context (NP_002760.1, residues 141-161): ISGWGNTASS[Gly151Val]ADYPDELQCL